The following is an entry in ClinVar:

NM_005982.4(SIX1):c.421G>T (p.Glu141Ter)

Gene: SIX1 (SIX homeobox 1; minus strand). Cytogenetic location: 14q23.1.
Variant type: single nucleotide variant.
Coding change: c.421G>T on transcript NM_005982.4 (MANE Select); coding-DNA position 421, G replaced by T.
Protein change: p.Glu141Ter; replaces glutamic acid 141 with a stop codon.
Molecular consequence: nonsense.
Genome position (GRCh38, 1-based): chr14:60,648,769, C>A on the plus strand (G>T on the coding strand, the complement: SIX1 is on the minus strand). VCF-style: chr14-60648769-C-A. GRCh37 (hg19) VCF-style: chr14-61115487-C-A.
Other names: c.421G>T, p.Glu141Ter (NM_001425142.1); short protein forms E141*.
Identifiers: ClinVar variation 3066285 (VCV003066285.1), dbSNP rs761906849, ClinGen allele CA389910349.

ClinVar aggregate classification (germline): Likely pathogenic (1 of 4 stars; one submission).

Conditions:
Branchiootic syndrome 3 (BOS3). Also called: BO SYNDROME 3. Identifiers: MedGen C1842124, MONDO:0012025, OMIM 608389.

gnomAD v4.1: 11 of 1,614,150 alleles (0.00068%); highest among the groups gnomAD compares: Non-Finnish European, 0.00093%; no homozygotes.

Submission:

MVZ Medizinische Genetik Mainz
Classification: Likely pathogenic for Branchiootic syndrome 3. Last evaluated: 2021-08-16. Review status: criteria provided, single submitter. Criteria: UK Practice Guidelines For Variant Classification V4 01 2020. Collection method: clinical testing. Allele origin: germline. Inheritance: Autosomal dominant inheritance. Affected: yes. Observed: 1 variant allele.
Comment: ACMG Criteria: PVS1, PM2_SUP